The following is an entry in ClinVar:

ClinVar aggregate classification (germline): Uncertain significance. Review status: criteria provided, multiple submitters, no conflicts (2 of 4 stars). 2 submissions from 2 submitters: Uncertain significance (2). Last evaluated 2024-06-24.

Conditions:
Inborn genetic diseases. Identifiers: MedGen C0950123, MeSH D030342.

Allele frequency attached by ClinVar (database versions not stated): gnomAD exomes 0.00005 and 0.00011; ExAC 0.00015; 1000 Genomes Project 30x 0.00031; gnomAD 0.00036 and 0.00041; ESP Exome Variant Server 0.00038; 1000 Genomes Project 0.00040; TOPMed 0.00047.
gnomAD v4.1: 123 of 1,613,762 alleles (0.0076%); highest among the groups gnomAD compares: African/African-American, 0.15%; no homozygotes.

Submissions (3):

Labcorp Genetics (formerly Invitae), Labcorp
Classification: Uncertain significance. Last evaluated: 2024-06-24. Review status: criteria provided, single submitter. Criteria: Invitae Variant Classification Sherloc (09022015). Collection method: clinical testing. Allele origin: germline.
Comment: This sequence change replaces leucine, which is neutral and non-polar, with phenylalanine, which is neutral and non-polar, at codon 550 of the INTU protein (p.Leu550Phe). This variant is present in population databases (rs148444990, gnomAD 0.2%), and has an allele count higher than expected for a pathogenic variant. This variant has not been reported in the literature in individuals affected with INTU-related conditions. ClinVar contains an entry for this variant (Variation ID: 1512320). Advanced modeling of protein sequence and biophysical properties (such as structural, functional, and spatial information, amino acid conservation, physicochemical variation, residue mobility, and thermodynamic stability) performed at Invitae indicates that this missense variant is expected to disrupt INTU protein function with a positive predictive value of 80%. Algorithms developed to predict the effect of sequence changes on RNA splicing suggest that this variant may create or strengthen a splice site. In summary, the available evidence is currently insufficient to determine the role of this variant in disease. Therefore, it has been classified as a Variant of Uncertain Significance.

Ambry Genetics
Classification: Uncertain significance for Inborn genetic diseases. Last evaluated: 2021-08-19. Review status: criteria provided, single submitter. Criteria: Ambry Variant Classification Scheme 2023. Collection method: clinical testing. Allele origin: germline.

Dr. Peter K. Rogan Lab, Western University
No classification provided (evidence only). Condition: Sarcoma. Review status: no classification provided. Collection method: in vitro. Allele origin: not applicable. Functional consequence: cryptic splice site. Not counted in ClinVar's aggregate classification.

NM_015693.4(INTU):c.1650A>T (p.Leu550Phe)

Gene: INTU (inturned planar cell polarity protein; plus strand). Cytogenetic location: 4q28.1.
Variant type: single nucleotide variant.
Coding change: c.1650A>T on transcript NM_015693.4 (MANE Select); coding-DNA position 1650, A replaced by T.
Protein change: p.Leu550Phe; replaces leucine 550 with phenylalanine.
Molecular consequence: missense variant.
Genome position (GRCh38, 1-based): chr4:127,705,674, A>T. VCF-style: chr4-127705674-A-T. GRCh37 (hg19) VCF-style: chr4-128626829-A-T.
Other names: c.1650A>T (NM_015693.3); short protein forms L550F.
Identifiers: ClinVar variation 1512320 (VCV001512320.8), dbSNP rs148444990, ClinGen allele CA3075155.